The following is an entry in ClinVar:

NM_001457.4(FLNB):c.3452C>A (p.Ala1151Asp)

Gene: FLNB (filamin B; plus strand). Cytogenetic location: 3p14.3.
Variant type: single nucleotide variant.
Coding change: c.3452C>A on transcript NM_001457.4 (MANE Select); coding-DNA position 3452, C replaced by A.
Protein change: p.Ala1151Asp; replaces alanine 1151 with aspartic acid.
Molecular consequence: missense variant.
Genome position (GRCh38, 1-based): chr3:58,123,418, C>A. VCF-style: chr3-58123418-C-A. GRCh37 (hg19) VCF-style: chr3-58109145-C-A.
Other names: c.3452C>A, p.Ala1151Asp (NM_001164317.2, NM_001164318.2, NM_001164319.2); short protein forms A1151D.
Identifiers: ClinVar variation 3617490 (VCV003617490.2).
Genomic context (GRCh38, chr3:58,123,418, plus strand): 5'-TTGACCCCTCTAAAGTCGTGGCATCGGGGCCAGGTCTCGAGCACGGGAAGGTGGGTGAAG[C>A]TGGCCTCCTTAGCGTCGACTGCTCGGAAGCGGGACCGGGGGCCCTGGGCCTGGAAGCTGT-3'
Protein context (NP_001448.2, residues 1141-1161): PGLEHGKVGE[Ala1151Asp]GLLSVDCSEA

ClinVar aggregate classification (germline): Uncertain significance (1 of 4 stars; one submission).

gnomAD v4.1: 9 of 1,614,016 alleles (0.00056%); highest among the groups gnomAD compares: Non-Finnish European, 0.00076%; no homozygotes.

Submission:

Labcorp Genetics (formerly Invitae), Labcorp
Classification: Uncertain significance. Last evaluated: 2024-11-25. Review status: criteria provided, single submitter. Criteria: Invitae Variant Classification Sherloc (09022015). Collection method: clinical testing. Allele origin: germline.
Comment: This sequence change replaces alanine, which is neutral and non-polar, with aspartic acid, which is acidic and polar, at codon 1151 of the FLNB protein (p.Ala1151Asp). This variant is not present in population databases (gnomAD no frequency). This variant has not been reported in the literature in individuals affected with FLNB-related conditions. Invitae Evidence Modeling of protein sequence and biophysical properties (such as structural, functional, and spatial information, amino acid conservation, physicochemical variation, residue mobility, and thermodynamic stability) indicates that this missense variant is not expected to disrupt FLNB protein function with a negative predictive value of 95%. In summary, the available evidence is currently insufficient to determine the role of this variant in disease. Therefore, it has been classified as a Variant of Uncertain Significance.